The following is an entry in ClinVar:

NM_201269.3(ZNF644):c.1052A>T (p.Asp351Val)

Gene: ZNF644 (zinc finger protein 644; minus strand). Cytogenetic location: 1p22.2.
Variant type: single nucleotide variant.
Coding change: c.1052A>T on transcript NM_201269.3 (MANE Select); coding-DNA position 1052, A replaced by T.
Protein change: p.Asp351Val; replaces aspartic acid 351 with valine.
Molecular consequence: missense variant. On other transcripts: intron variant (2).
Genome position (GRCh38, 1-based): chr1:90,940,302, T>A on the plus strand (A>T on the coding strand, the complement: ZNF644 is on the minus strand). VCF-style: chr1-90940302-T-A. GRCh37 (hg19) VCF-style: chr1-91405859-T-A.
Other names: c.23-22148A>T (NM_032186.5, NM_016620.4); short protein forms D351V.
Identifiers: ClinVar variation 3251566 (VCV003251566.1), dbSNP rs1407700569.

ClinVar aggregate classification (germline): Uncertain significance (1 of 4 stars; one submission).

Submission:

Women's Health and Genetics/Laboratory Corporation of America, LabCorp
Classification: Uncertain significance. Last evaluated: 2024-04-03. Review status: criteria provided, single submitter. Criteria: LabCorp Variant Classification Summary - May 2015. Collection method: clinical testing. Allele origin: germline.
Comment: Variant summary: ZNF644 c.1052A>T (p.Asp351Val) results in a non-conservative amino acid change in the encoded protein sequence. Three of five in-silico tools predict a damaging effect of the variant on protein function. The variant was absent in 250998 control chromosomes. The available data on variant occurrences in the general population are insufficient to allow any conclusion about variant significance. To our knowledge, no occurrence of c.1052A>T in individuals affected with Myopia 21, Autosomal Dominant and no experimental evidence demonstrating its impact on protein function have been reported. No submitters have cited clinical-significance assessments for this variant to ClinVar. Based on the evidence outlined above, the variant was classified as uncertain significance.